The following is an entry in ClinVar:

ClinVar aggregate classification (germline): Likely benign (1 of 4 stars; one submission).

Conditions:
CREBBP-related disorder. Also called: CREBBP-related condition; CREBBP-related disorders.

Submission:

PreventionGenetics, part of Exact Sciences
Classification: Likely benign for CREBBP-related condition. Last evaluated: 2025-06-26. Review status: criteria provided, single submitter. Criteria: ACMG Guidelines, 2015. Collection method: clinical testing. Allele origin: germline.
Comment: This variant is classified as likely benign based on ACMG/AMP sequence variant interpretation guidelines (Richards et al. 2015 PMID: 25741868, with internal and published modifications).

NM_004380.3(CREBBP):c.2517G>A (p.Gln839=)

Gene: CREBBP (CREB binding lysine acetyltransferase; minus strand). Cytogenetic location: 16p13.3.
Variant type: single nucleotide variant.
Coding change: c.2517G>A on transcript NM_004380.3 (MANE Select); coding-DNA position 2517, G replaced by A.
Protein change: p.Gln839=; no amino-acid change (glutamine 839 retained).
Molecular consequence: synonymous variant.
Genome position (GRCh38, 1-based): chr16:3,770,933, C>T on the plus strand (G>A on the coding strand, the complement: CREBBP is on the minus strand). VCF-style: chr16-3770933-C-T. GRCh37 (hg19) VCF-style: chr16-3820934-C-T.
Other names: c.2403G>A, p.Gln801= (NM_001079846.1).
Identifiers: ClinVar variation 4997298 (VCV004997298.1).